The following is an entry in ClinVar:

ClinVar aggregate classification (germline): Likely pathogenic. Review status: criteria provided, multiple submitters, no conflicts (2 of 4 stars). 2 submissions from 2 submitters: Likely pathogenic (2). Last evaluated 2025-04-09.

Conditions:
Pontocerebellar hypoplasia type 6 (PCH6). Identifiers: Orphanet 166073, MedGen C1969084, MONDO:0012683, OMIM 611523.

Allele frequency attached by ClinVar (database versions not stated): gnomAD exomes below 0.00001; TOPMed below 0.00001.
gnomAD v4.1: 2 of 1,602,856 alleles (0.00012%); highest among the groups gnomAD compares: Non-Finnish European, 0.00017%; no homozygotes.

Submissions (2):

Natera, Inc.
Classification: Likely pathogenic for Pontocerebellar hypoplasia, type 6. Last evaluated: 2025-04-09. Review status: criteria provided, single submitter. Criteria: Natera Variant Classification Schema (03/2026). Collection method: clinical testing. Allele origin: germline.
Comment: The c.974+1G>A variant in RARS2 is a canonical splice donor site variant predicted to affect pre-mRNA splicing, which may result in an abnormal transcript and altered protein product. This variant is expected to result in nonsense mediated decay, truncation, or a dysfunctional protein product. This variant is rare in the general population with a frequency below the threshold expected for the associated phenotype(s). Given the available evidence, this variant is classified as Likely Pathogenic.

Labcorp Genetics (formerly Invitae), Labcorp
Classification: Likely pathogenic. Last evaluated: 2022-05-03. Review status: criteria provided, single submitter. Criteria: Invitae Variant Classification Sherloc (09022015). Collection method: clinical testing. Allele origin: germline.
Comment: This sequence change affects a donor splice site in intron 11 of the RARS2 gene. It is expected to disrupt RNA splicing. Variants that disrupt the donor or acceptor splice site typically lead to a loss of protein function (PMID: 16199547), and loss-of-function variants in RARS2 are known to be pathogenic (PMID: 17847012, 22569581, 26083569). The frequency data for this variant in the population databases is considered unreliable, as metrics indicate poor data quality at this position in the gnomAD database. In summary, the currently available evidence indicates that the variant is pathogenic, but additional data are needed to prove that conclusively. Therefore, this variant has been classified as Likely Pathogenic. Algorithms developed to predict the effect of sequence changes on RNA splicing suggest that this variant may disrupt the consensus splice site. This variant has not been reported in the literature in individuals affected with RARS2-related conditions.

Literature cited by the submitters: PubMed 16199547 (cited by Labcorp Genetics (formerly Invitae), Labcorp); PubMed 17847012 (cited by Labcorp Genetics (formerly Invitae), Labcorp); PubMed 22569581 (cited by Labcorp Genetics (formerly Invitae), Labcorp); PubMed 26083569 (cited by Labcorp Genetics (formerly Invitae), Labcorp).

NM_020320.5(RARS2):c.974+1G>A

Gene: RARS2 (arginyl-tRNA synthetase 2, mitochondrial; minus strand). Cytogenetic location: 6q15.
Variant type: single nucleotide variant.
Coding change: c.974+1G>A on transcript NM_020320.5 (MANE Select); the canonical splice donor site of the intron after coding-DNA position 974, G replaced by A.
Molecular consequence: splice donor variant.
Genome position (GRCh38, 1-based): chr6:87,524,556, C>T on the plus strand (G>A on the coding strand, the complement: RARS2 is on the minus strand). VCF-style: chr6-87524556-C-T. GRCh37 (hg19) VCF-style: chr6-88234274-C-T.
Other names: c.974+1G>A (NM_020320.4, NM_001350505.2); c.449+1G>A (NM_001350509.2, NM_001318785.2, NM_001350506.2 and 4 more transcripts).
Identifiers: ClinVar variation 2191424 (VCV002191424.6), dbSNP rs1347648325, ClinGen allele CA364926661.
Genomic context (GRCh38, chr6:87,524,556, plus strand): 5'-GTGTTTCATCTGAAAGCAACAGATTTAGAACCAAATGTTGACCCTCACAGAGGCTACAAA[C>T]CTGGTTGCATAGAGAGAAGTCCCATCACTTCGCATTACAGTACAAATTGAGGAGGGGTCG-3'